The following is an entry in ClinVar:

NM_002292.4(LAMB2):c.469C>T (p.Pro157Ser)

Gene: LAMB2 (laminin subunit beta 2; minus strand). Cytogenetic location: 3p21.31.
Variant type: single nucleotide variant.
Coding change: c.469C>T on transcript NM_002292.4 (MANE Select); coding-DNA position 469, C replaced by T.
Protein change: p.Pro157Ser; replaces proline 157 with serine.
Molecular consequence: missense variant.
Genome position (GRCh38, 1-based): chr3:49,131,714, G>A on the plus strand (C>T on the coding strand, the complement: LAMB2 is on the minus strand). VCF-style: chr3-49131714-G-A. GRCh37 (hg19) VCF-style: chr3-49169147-G-A.
Other names: short protein forms P157S.
Identifiers: ClinVar variation 1396098 (VCV001396098.4), dbSNP rs2107644945, ClinGen allele CA352751214.
Genomic context (GRCh38, chr3:49,131,714, plus strand): 5'-ATCGGTACACATGCCAGGTGCGGCCAAAGTCTGCTGAGCGTTCCACCAGCATGGCAGCAG[G>A]GCGAAATGTCTGGGTAGGGGGGCATAGCTGATCAGCAGGCACCAGGACCCAAGCCCAACC-3'
Protein context (NP_002283.3, residues 147-167): HLIMTFKTFR[Pro157Ser]AAMLVERSAD

ClinVar aggregate classification (germline): Uncertain significance (1 of 4 stars; one submission).

Conditions:
LAMB2-related infantile-onset nephrotic syndrome. Also called: NEPHROTIC SYNDROME, TYPE 5, WITHOUT OCULAR ABNORMALITIES; NEPHROTIC SYNDROME, TYPE 5, WITH OCULAR ABNORMALITIES; Nephrotic Syndrome, type 5. Identifiers: Orphanet 306507, MedGen C3280113, MONDO:0013621, OMIM 614199.
Pierson syndrome. Also called: MICROCORIA-CONGENITAL NEPHROTIC SYNDROME. Identifiers: Orphanet 2670, MedGen C1836876, MONDO:0012184, OMIM 609049.

Allele frequency attached by ClinVar (database versions not stated): gnomAD exomes below 0.00001.

Submission:

Labcorp Genetics (formerly Invitae), Labcorp
Classification: Uncertain significance for LAMB2-related infantile-onset nephrotic syndrome; Pierson syndrome. Last evaluated: 2022-02-25. Review status: criteria provided, single submitter. Criteria: Invitae Variant Classification Sherloc (09022015). Collection method: clinical testing. Allele origin: germline.
Comment: This variant is not present in population databases (gnomAD no frequency). In summary, the available evidence is currently insufficient to determine the role of this variant in disease. Therefore, it has been classified as a Variant of Uncertain Significance. Algorithms developed to predict the effect of missense changes on protein structure and function (SIFT, PolyPhen-2, Align-GVGD) all suggest that this variant is likely to be disruptive. This variant has not been reported in the literature in individuals affected with LAMB2-related conditions. This sequence change replaces proline, which is neutral and non-polar, with serine, which is neutral and polar, at codon 157 of the LAMB2 protein (p.Pro157Ser).